The following is an entry in ClinVar:

NM_000373.4(UMPS):c.88A>G (p.Ser30Gly)

Gene: UMPS (uridine monophosphate synthetase; plus strand). Cytogenetic location: 3q21.2.
Variant type: single nucleotide variant.
Coding change: c.88A>G on transcript NM_000373.4 (MANE Select); coding-DNA position 88, A replaced by G.
Protein change: p.Ser30Gly; replaces serine 30 with glycine.
Molecular consequence: missense variant. On other transcripts: non-coding transcript variant (2).
Genome position (GRCh38, 1-based): chr3:124,730,559, A>G. VCF-style: chr3-124730559-A-G. GRCh37 (hg19) VCF-style: chr3-124449406-A-G.
Other names: short protein forms S30G.
Identifiers: ClinVar variation 255959 (VCV000255959.18), dbSNP rs17843776, ClinGen allele CA2581569.

ClinVar aggregate classification (germline): Conflicting classifications of pathogenicity. Review status: criteria provided, conflicting classifications (1 of 4 stars). 5 submissions from 5 submitters: Uncertain significance (1); Benign (2); Likely benign (2). Last evaluated 2026-01-27.

Conditions:
Hereditary orotic aciduria, type 1. Also called: Orotic aciduria type 1; Oroticaciduria 1. Identifiers: MedGen C0268130.
Oroticaciduria. Also called: Orotic aciduria. Identifiers: Orphanet 30, MedGen C0268128, HP:0003218.

Allele frequency attached by ClinVar (database versions not stated): gnomAD 0.00349 and 0.00350; 1000 Genomes Project 0.00359; TOPMed 0.00370; gnomAD exomes 0.00515 and 0.00148; ESP Exome Variant Server 0.00023; 1000 Genomes Project 30x 0.00406; ExAC 0.00377.
gnomAD v4.1: 2,677 of 1,613,830 alleles (0.17%); highest among the groups gnomAD compares: Admixed American, 2.8%; 38 homozygotes.

Submissions (5):

Labcorp Genetics (formerly Invitae), Labcorp
Classification: Benign for Hereditary orotic aciduria, type 1. Last evaluated: 2026-01-27. Review status: criteria provided, single submitter. Criteria: Invitae Variant Classification Sherloc (09022015). Collection method: clinical testing. Allele origin: germline.

ARUP Laboratories, Molecular Genetics and Genomics, ARUP Laboratories
Classification: Uncertain significance for Hereditary orotic aciduria. Last evaluated: 2023-11-11. Review status: criteria provided, single submitter. Criteria: ARUP Molecular Germline Variant Investigation Process 2024. Collection method: clinical testing. Allele origin: germline.

Illumina Laboratory Services, Illumina
Classification: Likely benign for Hereditary orotic aciduria. Last evaluated: 2017-04-27. Review status: criteria provided, single submitter. Criteria: ICSL Variant Classification Criteria 13 December 2019. Collection method: clinical testing. Allele origin: germline.
Comment: This variant was observed as part of a predisposition screen in an ostensibly healthy population. A literature search was performed for the gene, cDNA change, and amino acid change (where applicable). No publications were found based on this search. Allele frequency data from public databases allowed determination this variant is unlikely to cause disease. Therefore, this variant is classified as likely benign.

Breakthrough Genomics
Classification: Likely benign. Review status: criteria provided, single submitter. Criteria: ACMG Guidelines, 2015. Collection method: not provided. Allele origin: germline. Inheritance: Autosomal recessive inheritance. Affected: yes.

PreventionGenetics, part of Exact Sciences
Classification: Benign. Review status: criteria provided, single submitter. Criteria: ACMG Guidelines, 2015. Collection method: clinical testing. Allele origin: germline.